The following is an entry in ClinVar:

NM_000179.3(MSH6):c.968C>G (p.Thr323Ser)

Gene: MSH6 (mutS homolog 6; plus strand). Cytogenetic location: 2p16.3.
Variant type: single nucleotide variant.
Coding change: c.968C>G on transcript NM_000179.3 (MANE Select); coding-DNA position 968, C replaced by G.
Protein change: p.Thr323Ser; replaces threonine 323 with serine.
Molecular consequence: missense variant.
Genome position (GRCh38, 1-based): chr2:47,798,951, C>G. VCF-style: chr2-47798951-C-G. GRCh37 (hg19) VCF-style: chr2-48026090-C-G.
Other names: c.578C>G, p.Thr193Ser (NM_001281492.2); c.62C>G, p.Thr21Ser (NM_001281493.2, NM_001281494.2); short protein forms T323S, T21S, T193S.
Identifiers: ClinVar variation 483793 (VCV000483793.21), dbSNP rs777890307, ClinGen allele CA346740931.

ClinVar aggregate classification (germline): Uncertain significance. Review status: criteria provided, multiple submitters, no conflicts (2 of 4 stars). 4 submissions from 4 submitters: Uncertain significance (4). Last evaluated 2025-12-19.

Conditions:
Hereditary nonpolyposis colorectal neoplasms. Identifiers: MedGen C0009405, MeSH D003123.
Hereditary cancer-predisposing syndrome. Also called: Neoplastic Syndromes, Hereditary; Tumor predisposition; Hereditary Cancer Syndrome; Hereditary neoplastic syndrome. Identifiers: Orphanet 140162, MedGen C0027672, MeSH D009386, MONDO:0015356.
MSH6-related disorder. Also called: MSH6-related condition; MSH6-Related disorders.

gnomAD v4.1: 2 of 1,614,188 alleles (0.00012%); highest among the groups gnomAD compares: South Asian, 0.0011%; no homozygotes.

Submissions (4):

Labcorp Genetics (formerly Invitae), Labcorp
Classification: Uncertain significance for Hereditary nonpolyposis colorectal neoplasms. Last evaluated: 2025-12-19. Review status: criteria provided, single submitter. Criteria: Invitae Variant Classification Sherloc (09022015). Collection method: clinical testing. Allele origin: germline.
Comment: This sequence change replaces threonine, which is neutral and polar, with serine, which is neutral and polar, at codon 323 of the MSH6 protein (p.Thr323Ser). This variant is present in population databases (no rsID available, gnomAD 0.003%). This missense change has been observed in individual(s) with breast or ovarian cancer (PMID: 23047549, 35449176). ClinVar contains an entry for this variant (Variation ID: 483793). Invitae Evidence Modeling of protein sequence and biophysical properties (such as structural, functional, and spatial information, amino acid conservation, physicochemical variation, residue mobility, and thermodynamic stability) indicates that this missense variant is not expected to disrupt MSH6 protein function with a negative predictive value of 95%. In summary, the available evidence is currently insufficient to determine the role of this variant in disease. Therefore, it has been classified as a Variant of Uncertain Significance.

Ambry Genetics
Classification: Uncertain significance for Hereditary cancer-predisposing syndrome. Last evaluated: 2024-07-29. Review status: criteria provided, single submitter. Criteria: Ambry Variant Classification Scheme 2023. Collection method: clinical testing. Allele origin: germline.
Comment: The p.T323S variant (also known as c.968C>G), located in coding exon 4 of the MSH6 gene, results from a C to G substitution at nucleotide position 968. The threonine at codon 323 is replaced by serine, an amino acid with similar properties. This amino acid position is not well conserved in available vertebrate species. In addition, this alteration is predicted to be tolerated by in silico analysis. Based on the available evidence, the clinical significance of this variant remains unclear.

Color Diagnostics, LLC DBA Color Health
Classification: Uncertain significance for Hereditary cancer-predisposing syndrome. Last evaluated: 2024-03-04. Review status: criteria provided, single submitter. Criteria: ACMG Guidelines, 2015. Collection method: clinical testing. Allele origin: germline.
Comment: This missense variant replaces threonine with serine at codon 323 of the MSH6 protein. Computational prediction suggests that this variant may not impact protein structure and function (internally defined REVEL score threshold <= 0.5, PMID: 27666373). To our knowledge, functional studies have not been reported for this variant. This variant has been reported in an individual affected with ovarian cancer (PMID: 23047549). This variant has been identified in 1/251378 chromosomes in the general population by the Genome Aggregation Database (gnomAD). The available evidence is insufficient to determine the role of this variant in disease conclusively. Therefore, this variant is classified as a Variant of Uncertain Significance.

PreventionGenetics, part of Exact Sciences
Classification: Uncertain significance for MSH6-related condition. Last evaluated: 2023-08-14. Review status: criteria provided, single submitter. Criteria: ACMG Guidelines, 2015. Collection method: clinical testing. Allele origin: germline.
Comment: The MSH6 c.968C>G variant is predicted to result in the amino acid substitution p.Thr323Ser. This variant has not been reported in a cohort study of breast cancer (Nikitin et al. 2020. PubMed ID: 32547938. Table S2). This variant is reported in 0.0033% of alleles in individuals of South Asian descent in gnomAD and interpreted as uncertain in ClinVar. At this time, the clinical significance of this variant is uncertain due to the absence of conclusive functional and genetic evidence.

Literature cited by the submitters: PubMed 23047549 (cited by Labcorp Genetics (formerly Invitae), Labcorp and Color Diagnostics, LLC DBA Color Health); PubMed 35449176 (cited by Labcorp Genetics (formerly Invitae), Labcorp); PubMed 32547938 (cited by Ambry Genetics).